The following is an entry in ClinVar:

ClinVar aggregate classification (germline): Uncertain significance (1 of 4 stars; one submission).

Submission:

Labcorp Genetics (formerly Invitae), Labcorp
Classification: Uncertain significance. Last evaluated: 2023-05-13. Review status: criteria provided, single submitter. Criteria: Invitae Variant Classification Sherloc (09022015). Collection method: clinical testing. Allele origin: germline.
Comment: In summary, the available evidence is currently insufficient to determine the role of this variant in disease. Therefore, it has been classified as a Variant of Uncertain Significance. An algorithm developed to predict the effect of missense changes on protein structure and function (PolyPhen-2) suggests that this variant is likely to be disruptive. This variant has not been reported in the literature in individuals affected with A2ML1-related conditions. This variant is not present in population databases (gnomAD no frequency). This sequence change replaces glycine, which is neutral and non-polar, with valine, which is neutral and non-polar, at codon 1120 of the A2ML1 protein (p.Gly1120Val).

NM_144670.6(A2ML1):c.3359G>T (p.Gly1120Val)

Gene: A2ML1 (alpha-2-macroglobulin like 1; plus strand). Cytogenetic location: 12p13.31.
Variant type: single nucleotide variant.
Coding change: c.3359G>T on transcript NM_144670.6 (MANE Select); coding-DNA position 3359, G replaced by T.
Protein change: p.Gly1120Val; replaces glycine 1120 with valine.
Molecular consequence: missense variant.
Genome position (GRCh38, 1-based): chr12:8,861,154, G>T. VCF-style: chr12-8861154-G-T. GRCh37 (hg19) VCF-style: chr12-9013750-G-T.
Other names: c.1886G>T, p.Gly629Val (NM_001282424.3); short protein forms G1120V, G629V.
Identifiers: ClinVar variation 2982722 (VCV002982722.3), dbSNP rs1565487733, ClinGen allele CA383840460.